The following is an entry in ClinVar:

NM_004385.5(VCAN):c.8648A>G (p.Tyr2883Cys)

Genes: VCAN (versican; plus strand), VCAN-AS1 (VCAN antisense RNA 1; minus strand). Cytogenetic location: 5q14.3.
Variant type: single nucleotide variant.
Coding change: c.8648A>G on transcript NM_004385.5 (MANE Select); coding-DNA position 8648, A replaced by G.
Protein change: p.Tyr2883Cys; replaces tyrosine 2883 with cysteine.
Molecular consequence: missense variant. On other transcripts: intron variant (2).
Genome position (GRCh38, 1-based): chr5:83,541,651, A>G. VCF-style: chr5-83541651-A-G. GRCh37 (hg19) VCF-style: chr5-82837470-A-G.
Other names: c.8648A>G (NM_004385.4); c.5687A>G, p.Tyr1896Cys (NM_001164097.2); c.4004-3886A>G (NM_001164098.2); c.1043-3886A>G (NM_001126336.3); short protein forms Y1896C, Y2883C.
Identifiers: ClinVar variation 1139774 (VCV001139774.12), dbSNP rs146955511, ClinGen allele CA3333844.

ClinVar aggregate classification (germline): Likely benign. Review status: criteria provided, multiple submitters, no conflicts (2 of 4 stars). 4 submissions from 4 submitters: Likely benign (4). Last evaluated 2026-01-01.

Conditions:
VCAN-related disorder. Also called: VCAN-related condition.

Allele frequency attached by ClinVar (database versions not stated): gnomAD exomes 0.00005 and 0.00015; ExAC 0.00017; 1000 Genomes Project 0.00020; gnomAD 0.00040 and 0.00041; TOPMed 0.00043; 1000 Genomes Project 30x 0.00047; ESP Exome Variant Server 0.00077.
gnomAD v4.1: 132 of 1,613,900 alleles (0.0082%); highest among the groups gnomAD compares: African/African-American, 0.16%; no homozygotes.

Submissions (4):

Labcorp Genetics (formerly Invitae), Labcorp
Classification: Likely benign. Last evaluated: 2026-01-01. Review status: criteria provided, single submitter. Criteria: Invitae Variant Classification Sherloc (09022015). Collection method: clinical testing. Allele origin: germline.

PreventionGenetics, part of Exact Sciences
Classification: Likely benign for VCAN-related condition. Last evaluated: 2025-12-22. Review status: criteria provided, single submitter. Criteria: ACMG Guidelines, 2015. Collection method: clinical testing. Allele origin: germline.
Comment: This variant is classified as likely benign based on ACMG/AMP sequence variant interpretation guidelines (Richards et al. 2015 PMID: 25741868, with internal and published modifications).

Blueprint Genetics
Classification: Likely benign. Last evaluated: 2024-02-09. Review status: criteria provided, single submitter. Criteria: ACMG Guidelines, 2015. Collection method: clinical testing. Allele origin: germline.

Breakthrough Genomics
Classification: Likely benign. Review status: criteria provided, single submitter. Criteria: ACMG Guidelines, 2015. Collection method: not provided. Allele origin: germline. Inheritance: Autosomal dominant inheritance. Affected: yes.